The following is an entry in ClinVar:

NM_004360.5(CDH1):c.1435G>T (p.Asp479Tyr)

Gene: CDH1 (cadherin 1; plus strand). Cytogenetic location: 16q22.1.
Variant type: single nucleotide variant.
Coding change: c.1435G>T on transcript NM_004360.5 (MANE Select); coding-DNA position 1435, G replaced by T.
Protein change: p.Asp479Tyr; replaces aspartic acid 479 with tyrosine.
Molecular consequence: missense variant. On other transcripts: 5 prime UTR variant (2).
Genome position (GRCh38, 1-based): chr16:68,815,629, G>T. VCF-style: chr16-68815629-G-T. GRCh37 (hg19) VCF-style: chr16-68849532-G-T.
Other names: c.1252G>T, p.Asp418Tyr (NM_001317184.2); c.-114G>T (NM_001317185.2); c.-385G>T (NM_001317186.2); short protein forms D418Y, D479Y.
Identifiers: ClinVar variation 969111 (VCV000969111.10), dbSNP rs587782796, ClinGen allele CA396463010.

ClinVar aggregate classification (germline): Uncertain significance (1 of 4 stars; one submission).

Conditions:
Hereditary diffuse gastric adenocarcinoma (HDGC). Also called: DIFFUSE GASTRIC AND LOBULAR BREAST CANCER SYNDROME. Identifiers: Orphanet 26106, MedGen C1708349, MONDO:0007648, OMIM 137215.

gnomAD v4.1: 1 of 1,614,214 alleles (0.000062%); highest among the groups gnomAD compares: Non-Finnish European, 0.000085%; no homozygotes.

Submission:

Labcorp Genetics (formerly Invitae), Labcorp
Classification: Uncertain significance for Hereditary diffuse gastric adenocarcinoma. Last evaluated: 2022-11-29. Review status: criteria provided, single submitter. Criteria: Invitae Variant Classification Sherloc (09022015). Collection method: clinical testing. Allele origin: germline.
Comment: This variant is not present in population databases (gnomAD no frequency). This sequence change replaces aspartic acid, which is acidic and polar, with tyrosine, which is neutral and polar, at codon 479 of the CDH1 protein (p.Asp479Tyr). This variant has not been reported in the literature in individuals affected with CDH1-related conditions. ClinVar contains an entry for this variant (Variation ID: 969111). Algorithms developed to predict the effect of missense changes on protein structure and function (SIFT, PolyPhen-2, Align-GVGD) all suggest that this variant is likely to be disruptive. In summary, the available evidence is currently insufficient to determine the role of this variant in disease. Therefore, it has been classified as a Variant of Uncertain Significance.